The following is an entry in ClinVar:

ClinVar aggregate classification (germline): Likely benign (0 of 4 stars; one submission).

Conditions:
MASP2-related disorder. Also called: MASP2-related condition.

Allele frequency attached by ClinVar (database versions not stated): gnomAD exomes 0.00006; gnomAD 0.00007; ESP Exome Variant Server 0.00008; TOPMed 0.00011; 1000 Genomes Project 30x 0.00016; ExAC 0.00017; 1000 Genomes Project 0.00020.

Submission:

PreventionGenetics, part of Exact Sciences
Classification: Likely benign for MASP2-related condition. Last evaluated: 2019-02-21. Review status: no assertion criteria provided. Collection method: clinical testing. Allele origin: germline.
Comment: This variant is classified as likely benign based on ACMG/AMP sequence variant interpretation guidelines (Richards et al. 2015 PMID: 25741868, with internal and published modifications).

NM_006610.4(MASP2):c.357C>T (p.Ser119=)

Gene: MASP2 (MBL associated serine protease 2; minus strand). Cytogenetic location: 1p36.22.
Variant type: single nucleotide variant.
Coding change: c.357C>T on transcript NM_006610.4 (MANE Select); coding-DNA position 357, C replaced by T.
Protein change: p.Ser119=; no amino-acid change (serine 119 retained).
Molecular consequence: synonymous variant.
Genome position (GRCh38, 1-based): chr1:11,046,611, G>A on the plus strand (C>T on the coding strand, the complement: MASP2 is on the minus strand). VCF-style: chr1-11046611-G-A. GRCh37 (hg19) VCF-style: chr1-11106668-G-A.
Other names: c.357C>T, p.Ser119= (NM_139208.3).
Identifiers: ClinVar variation 3052063 (VCV003052063.2), dbSNP rs201175329, ClinGen allele CA587172.